The following is an entry in ClinVar:

NM_024675.4(PALB2):c.48+7G>A

Gene: PALB2 (partner and localizer of BRCA2; minus strand). Cytogenetic location: 16p12.2.
Variant type: single nucleotide variant.
Coding change: c.48+7G>A on transcript NM_024675.4 (MANE Select); 7 bases into the intron after coding-DNA position 48, G replaced by A.
Molecular consequence: intron variant.
Genome position (GRCh38, 1-based): chr16:23,641,103, C>T on the plus strand (G>A on the coding strand, the complement: PALB2 is on the minus strand). VCF-style: chr16-23641103-C-T. GRCh37 (hg19) VCF-style: chr16-23652424-C-T.
Other names: c.-1689G>A (NM_001407304.1, NM_001407310.1).
Identifiers: ClinVar variation 2133895 (VCV002133895.4), dbSNP rs190626072, ClinGen allele CA2580091245.

ClinVar aggregate classification (germline): Uncertain significance (1 of 4 stars; one submission).

Conditions:
Familial cancer of breast. Also called: Hereditary breast cancer; BREAST CANCER, FAMILIAL; hereditary breast carcinoma. Identifiers: Orphanet 227535, MedGen C0346153, MONDO:0016419, OMIM 114480. Disease mechanism: loss of function.

Submission:

Labcorp Genetics (formerly Invitae), Labcorp
Classification: Uncertain significance for Familial cancer of breast. Last evaluated: 2022-05-04. Review status: criteria provided, single submitter. Criteria: Invitae Variant Classification Sherloc (09022015). Collection method: clinical testing. Allele origin: germline.
Comment: Algorithms developed to predict the effect of sequence changes on RNA splicing suggest that this variant may create or strengthen a splice site. This variant has not been reported in the literature in individuals affected with PALB2-related conditions. This variant is not present in population databases (gnomAD no frequency). This sequence change falls in intron 1 of the PALB2 gene. It does not directly change the encoded amino acid sequence of the PALB2 protein. In summary, the available evidence is currently insufficient to determine the role of this variant in disease. Therefore, it has been classified as a Variant of Uncertain Significance.